The following is an entry in ClinVar:

ClinVar aggregate classification (germline): Uncertain significance (1 of 4 stars; one submission).

Conditions:
Nemaline myopathy 6 (NEM6). Also called: Nemaline myopathy 6, autosomal dominant. Identifiers: Orphanet 171439, MedGen C1836472, MONDO:0012237, OMIM 609273.

Submission:

Labcorp Genetics (formerly Invitae), Labcorp
Classification: Uncertain significance for Nemaline myopathy 6. Last evaluated: 2024-12-04. Review status: criteria provided, single submitter. Criteria: Invitae Variant Classification Sherloc (09022015). Collection method: clinical testing. Allele origin: germline.
Comment: This sequence change affects codon 68 of the KBTBD13 mRNA. It is a 'silent' change, meaning that it does not change the encoded amino acid sequence of the KBTBD13 protein. This variant is not present in population databases (gnomAD no frequency). This variant has not been reported in the literature in individuals affected with KBTBD13-related conditions. In summary, the available evidence is currently insufficient to determine the role of this variant in disease. Therefore, it has been classified as a Variant of Uncertain Significance.

NM_001101362.3(KBTBD13):c.204C>T (p.Asp68=)

Gene: KBTBD13 (kelch repeat and BTB domain containing 13; plus strand). Cytogenetic location: 15q22.31.
Variant type: single nucleotide variant.
Coding change: c.204C>T on transcript NM_001101362.3 (MANE Select); coding-DNA position 204, C replaced by T.
Protein change: p.Asp68=; no amino-acid change (aspartic acid 68 retained).
Molecular consequence: synonymous variant.
Genome position (GRCh38, 1-based): chr15:65,077,019, C>T. VCF-style: chr15-65077019-C-T. GRCh37 (hg19) VCF-style: chr15-65369357-C-T.
Identifiers: ClinVar variation 3700932 (VCV003700932.2).